The following is an entry in ClinVar:

ClinVar aggregate classification (germline): Uncertain significance. Review status: criteria provided, multiple submitters, no conflicts (2 of 4 stars). 2 submissions from 2 submitters: Uncertain significance (2). Last evaluated 2024-12-23.

Conditions:
Mitochondrial DNA depletion syndrome 1. Also called: Mitochondrial Neurogastrointestinal Encephalopathy Disease; Mitochondrial neurogastrointestinal encephalomyopathy syndrome; MITOCHONDRIAL NEUROGASTROINTESTINAL ENCEPHALOPATHY SYNDROME, TYMP-RELATED; MNGIE, TYMP-RELATED; Mitochondrial DNA Depletion Syndrome, MNGIE Form; POLIP SYNDROME. Identifiers: Orphanet 298, MedGen C4551995, MONDO:0011283, OMIM 603041.
Inborn genetic diseases. Identifiers: MedGen C0950123, MeSH D030342.

Allele frequency attached by ClinVar (database versions not stated): gnomAD exomes 0.00001 and below 0.00001.
gnomAD v4.1: 13 of 1,613,652 alleles (0.00081%); highest among the groups gnomAD compares: Non-Finnish European, 0.0011%; no homozygotes.

Submissions (2):

Ambry Genetics
Classification: Uncertain significance for Inborn genetic diseases. Last evaluated: 2024-12-23. Review status: criteria provided, single submitter. Criteria: Ambry Variant Classification Scheme 2023. Collection method: clinical testing. Allele origin: germline.

Victorian Clinical Genetics Services, Murdoch Childrens Research Institute
Classification: Uncertain significance for Mitochondrial DNA depletion syndrome 1. Last evaluated: 2022-09-02. Review status: criteria provided, single submitter. Criteria: ACMG Guidelines, 2015. Collection method: clinical testing. Allele origin: germline. Inheritance: Autosomal recessive inheritance. Affected: yes.
Comment: A heterozygous missense variant was identified, NM_001257988.1(TYMP):c.695T>C in exon 6 of 10 of the TYMP gene. This substitution is predicted to create a minor amino acid change from valine to alanine at position 232 of the protein, NP_001244917.1(TYMP):p.(Val232Ala). The valine at this position has low conservation (100 vertebrates, UCSC), and is located within the glycosyl transferase 3 a/b domain. In silico software predictions of the pathogenicity of this variant are conflicting (Polyphen, SIFT, CADD, Mutation Taster). The variant is present in the gnomAD population database at a frequency of 0.0004% (1 heterozygote, 0 homozygotes). The variant has not been previously reported in clinical cases. Based on information available at the time of curation, this variant has been classified as a VARIANT of UNCERTAIN SIGNIFICANCE (VUS).

NM_001953.5(TYMP):c.695T>C (p.Val232Ala)

Gene: TYMP (thymidine phosphorylase; minus strand). Cytogenetic location: 22q13.33.
Variant type: single nucleotide variant.
Coding change: c.695T>C on transcript NM_001953.5 (MANE Select); coding-DNA position 695, T replaced by C.
Protein change: p.Val232Ala; replaces valine 232 with alanine.
Molecular consequence: missense variant.
Genome position (GRCh38, 1-based): chr22:50,527,235, A>G on the plus strand (T>C on the coding strand, the complement: TYMP is on the minus strand). VCF-style: chr22-50527235-A-G. GRCh37 (hg19) VCF-style: chr22-50965664-A-G.
Other names: c.695T>C, p.Val232Ala (NM_001113755.3, NM_001113756.3, NM_001257988.1 and 1 more transcripts); c.695T>C (NM_001953.3); short protein forms V232A.
Identifiers: ClinVar variation 1699086 (VCV001699086.4), dbSNP rs1294823677, ClinGen allele CA412200715.